The following is an entry in ClinVar:

ClinVar aggregate classification (germline): Uncertain significance (1 of 4 stars; one submission).

Conditions:
TJP2-related disorder. Also called: TJP2-related condition.

gnomAD v4.1: 2 of 1,614,164 alleles (0.00012%); highest among the groups gnomAD compares: Non-Finnish European, 0.00017%; no homozygotes.

Submission:

PreventionGenetics, part of Exact Sciences
Classification: Uncertain significance for TJP2-related condition. Last evaluated: 2026-07-02. Review status: criteria provided, single submitter. Criteria: ACMG Guidelines, 2015. Collection method: clinical testing. Allele origin: germline.
Comment: The TJP2 c.2425A>G variant is predicted to result in the amino acid substitution p.Ile809Val. To our knowledge, this variant has not been reported in the literature or in a large population database (gnomAD), indicating this variant is rare. At this time, the clinical significance of this variant is uncertain due to the absence of conclusive functional and genetic evidence.

NM_004817.4(TJP2):c.2425A>G (p.Ile809Val)

Gene: TJP2 (tight junction protein 2; plus strand). Cytogenetic location: 9q21.11.
Variant type: single nucleotide variant.
Coding change: c.2425A>G on transcript NM_004817.4 (MANE Select); coding-DNA position 2425, A replaced by G.
Protein change: p.Ile809Val; replaces isoleucine 809 with valine.
Molecular consequence: missense variant.
Genome position (GRCh38, 1-based): chr9:69,240,006, A>G. VCF-style: chr9-69240006-A-G. GRCh37 (hg19) VCF-style: chr9-71854922-A-G.
Other names: c.2356A>G, p.Ile786Val (NM_001170414.2, NM_001369871.1); c.2437A>G, p.Ile813Val (NM_001170415.1, NM_001369874.1, NM_001369875.1); c.2518A>G, p.Ile840Val (NM_001170416.2); c.2350A>G, p.Ile784Val (NM_001369870.1); c.2425A>G, p.Ile809Val (NM_001369872.1, NM_001369873.1, NM_201629.3); short protein forms I786V, I784V, I813V, I809V, I840V.
Identifiers: ClinVar variation 4980342 (VCV004980342.1).
Genomic context (GRCh38, chr9:69,240,006, plus strand): 5'-GCACTACTGGATGTGACTCCGAAAGCTGTGGACCTGTTGAATTACACCCAGTGGTTCCCA[A>G]TTGTGATTTTTTTCAACCCAGACTCCAGACAAGGTGTCAAAACCATGAGACAAAGGTTAA-3'
Protein context (NP_004808.2, residues 799-819): DLLNYTQWFP[Ile809Val]VIFFNPDSRQ